The following is an entry in ClinVar:

ClinVar aggregate classification (germline): Uncertain significance (1 of 4 stars; one submission).

Conditions:
Cardiovascular phenotype. Identifiers: MedGen CN230736.

Allele frequency attached by ClinVar (database versions not stated): gnomAD exomes below 0.00001; gnomAD 0.00001.
gnomAD v4.1: 4 of 1,532,522 alleles (0.00026%); highest among the groups gnomAD compares: African/African-American, 0.0028%; no homozygotes.

Submission:

Ambry Genetics
Classification: Uncertain significance for Cardiovascular phenotype. Last evaluated: 2022-08-10. Review status: criteria provided, single submitter. Criteria: Ambry Variant Classification Scheme 2023. Collection method: clinical testing. Allele origin: germline.
Comment: The p.T162M variant (also known as c.485C>T), located in coding exon 1 of the FKRP gene, results from a C to T substitution at nucleotide position 485. The threonine at codon 162 is replaced by methionine, an amino acid with similar properties. This amino acid position is conserved. In addition, the in silico prediction for this alteration is inconclusive. Since supporting evidence is limited at this time, the clinical significance of this alteration remains unclear.

NM_024301.5(FKRP):c.485C>T (p.Thr162Met)

Gene: FKRP (fukutin related protein; plus strand). Cytogenetic location: 19q13.32.
Variant type: single nucleotide variant.
Coding change: c.485C>T on transcript NM_024301.5 (MANE Select); coding-DNA position 485, C replaced by T.
Protein change: p.Thr162Met; replaces threonine 162 with methionine.
Molecular consequence: missense variant.
Genome position (GRCh38, 1-based): chr19:46,755,935, C>T. VCF-style: chr19-46755935-C-T. GRCh37 (hg19) VCF-style: chr19-47259192-C-T.
Other names: c.485C>T, p.Thr162Met (NM_001039885.3); short protein forms T162M.
Identifiers: ClinVar variation 1743623 (VCV001743623.2), dbSNP rs1482696848, ClinGen allele CA406495420.